The following is an entry in ClinVar:

ClinVar aggregate classification (germline): Likely pathogenic. Review status: criteria provided, multiple submitters, no conflicts (2 of 4 stars). 2 submissions from 2 submitters: Likely pathogenic (2). Last evaluated 2025-04-14.

Conditions:
Medium-chain acyl-coenzyme A dehydrogenase deficiency (ACADMD). Also called: ACADM DEFICIENCY; CARNITINE DEFICIENCY SECONDARY TO MEDIUM-CHAIN ACYL-CoA DEHYDROGENASE DEFICIENCY; MCADH DEFICIENCY; MCADD; Medium chain acyl-CoA dehydrogenase deficiency; MCAD Deficiency. Identifiers: Orphanet 42, MedGen C0220710, MONDO:0008721, OMIM 201450.

Submissions (2):

Natera, Inc.
Classification: Likely pathogenic for Medium Chain Acyl-CoA Dehydrogenase Deficiency. Last evaluated: 2025-04-14. Review status: criteria provided, single submitter. Criteria: Natera Variant Classification Schema (03/2026). Collection method: clinical testing. Allele origin: germline.
Comment: The c.1169_1170delTA variant in ACADM is a frameshift variant predicted to shift the reading frame beginning at codon 390 and leads to a stop codon 11 codons downstream. This variant is expected to result in nonsense mediated decay, truncation, or a dysfunctional protein product. This variant is rare in the general population with a frequency below the threshold expected for the associated phenotype(s). Given the available evidence, this variant is classified as Likely Pathogenic.

Baylor Genetics
Classification: Likely pathogenic for Medium-chain acyl-coenzyme A dehydrogenase deficiency. Last evaluated: 2023-11-28. Review status: criteria provided, single submitter. Criteria: ACMG Guidelines, 2015. Collection method: clinical testing. Allele origin: unknown.

NM_000016.6(ACADM):c.1169_1170del (p.Leu390fs)

Gene: ACADM (acyl-CoA dehydrogenase medium chain; plus strand). Cytogenetic location: 1p31.1.
Variant type: Deletion.
Coding change: c.1169_1170del on transcript NM_000016.6 (MANE Select); coding-DNA positions 1169 to 1170, 2 bases deleted (TA; older notation c.1169_1170delTA).
Protein change: p.Leu390fs; shifts the reading frame from leucine 390.
Molecular consequence: frameshift variant.
Genome position (GRCh38, 1-based): chr1:75,761,345-75,761,346, TA deleted. VCF-style (leftmost placement, unchanged base first): chr1-75761344-CTA-C. GRCh37 (hg19) VCF-style: chr1-76227029-CTA-C.
Other names: c.1181_1182del, p.Leu394fs (NM_001127328.3); c.1061_1062del, p.Leu354fs (NM_001286042.2); c.1268_1269del, p.Leu423fs (NM_001286043.2); c.602_603del, p.Leu201fs (NM_001286044.2); short protein forms L201fs, L354fs, L390fs, L394fs, L423fs.
Identifiers: ClinVar variation 3240820 (VCV003240820.2), dbSNP rs1557467049.
Genomic context (GRCh38, chr1:75,761,344, plus strand): 5'-ACTGATGCTGTGCAGATACTTGGAGGCAATGGATTTAATACAGAATATCCTGTAGAAAAA[CTA>C]ATGAGGGATGCCAAAATCTATCAGGTAAGGTTAAAGATGATTTTTTTGGTTTGCAAGGAG-3'